The following is an entry in ClinVar:

ClinVar aggregate classification (germline): Uncertain significance (1 of 4 stars; one submission).

Allele frequency attached by ClinVar (database versions not stated): TOPMed below 0.00001; gnomAD 0.00001.

Submission:

Labcorp Genetics (formerly Invitae), Labcorp
Classification: Uncertain significance. Last evaluated: 2023-03-11. Review status: criteria provided, single submitter. Criteria: Invitae Variant Classification Sherloc (09022015). Collection method: clinical testing. Allele origin: germline.
Comment: In summary, the available evidence is currently insufficient to determine the role of this variant in disease. Therefore, it has been classified as a Variant of Uncertain Significance. An algorithm developed to predict the effect of missense changes on protein structure and function (PolyPhen-2) suggests that this variant is likely to be disruptive. This variant has not been reported in the literature in individuals affected with LAMC3-related conditions. This variant is not present in population databases (gnomAD no frequency). This sequence change replaces histidine, which is basic and polar, with tyrosine, which is neutral and polar, at codon 776 of the LAMC3 protein (p.His776Tyr).

NM_006059.4(LAMC3):c.2326C>T (p.His776Tyr)

Gene: LAMC3 (laminin subunit gamma 3; plus strand). Cytogenetic location: 9q34.12.
Variant type: single nucleotide variant.
Coding change: c.2326C>T on transcript NM_006059.4 (MANE Select); coding-DNA position 2326, C replaced by T.
Protein change: p.His776Tyr; replaces histidine 776 with tyrosine.
Molecular consequence: missense variant.
Genome position (GRCh38, 1-based): chr9:131,061,202, C>T. VCF-style: chr9-131061202-C-T. GRCh37 (hg19) VCF-style: chr9-133936589-C-T.
Other names: short protein forms H776Y.
Identifiers: ClinVar variation 2792159 (VCV002792159.3), dbSNP rs1279286640, ClinGen allele CA375267301.